The following is an entry in ClinVar:

ClinVar aggregate classification (germline): Pathogenic/Likely pathogenic. Review status: criteria provided, multiple submitters, no conflicts (2 of 4 stars). 3 submissions from 3 submitters: Pathogenic (1); Likely pathogenic (1). 1 of the submissions does not count toward it. Last evaluated 2025-07-16.

Conditions:
Autosomal recessive nonsyndromic hearing loss 1A (DFNB1A). Also called: Nonsyndromic Hearing Loss and Deafness, DFNB1; GJB6-Related DFNB 1 Nonsyndromic Hearing Loss and Deafness; Deafness, autosomal recessive 1A; Connexin 26 deafness; Deafness nonsyndromic, Connexin 26 linked; GJB2-Related Autosomal Recessive Nonsyndromic Hearing Loss. Identifiers: Orphanet 90636, MedGen C2673759, MONDO:0009076, OMIM 220290.
Autosomal dominant nonsyndromic hearing loss 3A. Identifiers: Orphanet 90635, MedGen C2675750, MONDO:0011103, OMIM 601544.

Submissions (3):

Natera, Inc.
Classification: Likely pathogenic for Autosomal recessive deafness type 1A. Last evaluated: 2025-07-16. Review status: criteria provided, single submitter. Criteria: Natera Variant Classification Schema (03/2026). Collection method: clinical testing. Allele origin: germline.
Comment: The c.136G>A variant in GJB2 is a missense variant predicted to cause substitution of aspartic acid to asparagine at amino acid 46. This variant is rare in the general population with a frequency below the threshold expected for the associated phenotype(s). This variant has been observed in affected individual(s) with monoallelic occurrence (heterozygous/hemizygous) (PMID: 21484990, 34599366). Additionally, this variant has been observed to segregate in affected family members (PMID: 21484990). Computational prediction algorithms indicate this variant is likely to affect gene or protein function. Given the available evidence, this variant is classified as Likely Pathogenic.

Labcorp Genetics (formerly Invitae), Labcorp
Classification: Pathogenic. Last evaluated: 2023-01-05. Review status: criteria provided, single submitter. Criteria: Invitae Variant Classification Sherloc (09022015). Collection method: clinical testing. Allele origin: germline.
Comment: For these reasons, this variant has been classified as Pathogenic. Advanced modeling of protein sequence and biophysical properties (such as structural, functional, and spatial information, amino acid conservation, physicochemical variation, residue mobility, and thermodynamic stability) performed at Invitae indicates that this missense variant is expected to disrupt GJB2 protein function. ClinVar contains an entry for this variant (Variation ID: 424851). This missense change has been observed in individual(s) with autosomal dominant non-syndromic deafness (PMID: 21484990). It has also been observed to segregate with disease in related individuals. This variant is not present in population databases (gnomAD no frequency). This sequence change replaces aspartic acid, which is acidic and polar, with asparagine, which is neutral and polar, at codon 46 of the GJB2 protein (p.Asp46Asn).

GeneReviews
No classification provided. Condition: Autosomal dominant nonsyndromic hearing loss 3A. Review status: no classification provided. Collection method: literature only. Allele origin: germline. Not counted in ClinVar's aggregate classification.

Literature cited by the submitters: PubMed 21484990 (cited by Natera, Inc. and Labcorp Genetics (formerly Invitae), Labcorp); PubMed 34599366 (cited by Natera, Inc.); NCBI Bookshelf NBK1536 (cited by GeneReviews).

NM_004004.6(GJB2):c.136G>A (p.Asp46Asn)

Gene: GJB2 (gap junction protein beta 2; minus strand). Cytogenetic location: 13q12.11.
Variant type: single nucleotide variant.
Coding change: c.136G>A on transcript NM_004004.6 (MANE Select); coding-DNA position 136, G replaced by A.
Protein change: p.Asp46Asn; replaces aspartic acid 46 with asparagine.
Molecular consequence: missense variant.
Genome position (GRCh38, 1-based): chr13:20,189,446, C>T on the plus strand (G>A on the coding strand, the complement: GJB2 is on the minus strand). VCF-style: chr13-20189446-C-T. GRCh37 (hg19) VCF-style: chr13-20763585-C-T.
Other names: short protein forms D46N.
Identifiers: ClinVar variation 424851 (VCV000424851.6), dbSNP rs1064797088, ClinGen allele CA16621541.